The following is an entry in ClinVar:

ClinVar aggregate classification (germline): Conflicting classifications of pathogenicity. Review status: criteria provided, conflicting classifications (1 of 4 stars). 8 submissions from 7 submitters: Uncertain significance (2); Benign (1); Likely benign (5). Last evaluated 2026-09-01.

Conditions:
Cardiovascular phenotype. Identifiers: MedGen CN230736.
Hypertrophic cardiomyopathy 6. Identifiers: MedGen C1833236, MONDO:0010946, OMIM 600858.
Lethal congenital glycogen storage disease of heart. Also called: GLYCOGEN STORAGE DISEASE OF HEART; PHOSPHORYLASE KINASE DEFICIENCY OF HEART. Identifiers: Orphanet 439854, MedGen C1849813, MONDO:0009867, OMIM 261740.
Wolff-Parkinson-White pattern. Also called: WPW SYNDROME; Auriculoventricular accessory pathway syndrome; False bundle branch block syndrome; Anomalous ventricular excitation syndrome. Identifiers: MedGen C0043202, MONDO:0008685, OMIM 194200, HP:0001716.
Hypertrophic cardiomyopathy. Also called: HYPERTROPHIC MYOCARDIOPATHY. Identifiers: Orphanet 217569, MedGen C0007194, MeSH D002312, MONDO:0005045, HP:0001639.
Cardiomyopathy (CMYO). Also called: Cardiomyopathies. Identifiers: Orphanet 167848, MedGen C0878544, MONDO:0004994, HP:0001638. Inheritance: Various modes of inheritance.

Allele frequency attached by ClinVar (database versions not stated): gnomAD 0.00001 and 0.00002; TOPMed 0.00001; ExAC 0.00004; gnomAD exomes 0.00005.
gnomAD v4.1: 27 of 1,613,962 alleles (0.0017%); highest among the groups gnomAD compares: Middle Eastern, 0.066%; no homozygotes.

Submissions (8):

CeGaT Center for Human Genetics Tuebingen
Classification: Likely benign. Last evaluated: 2026-09-01. Review status: criteria provided, single submitter. Criteria: CeGaT Center For Human Genetics Tuebingen Variant Classification Criteria Version 2. Collection method: clinical testing. Allele origin: germline. Affected: yes. Observed: 3 variant alleles.
Comment: PRKAG2: BP4, BP7

Labcorp Genetics (formerly Invitae), Labcorp
Classification: Likely benign for Lethal congenital glycogen storage disease of heart. Last evaluated: 2026-01-14. Review status: criteria provided, single submitter. Criteria: Invitae Variant Classification Sherloc (09022015). Collection method: clinical testing. Allele origin: germline.

All of Us Research Program, National Institutes of Health
Classification: Likely benign for Hypertrophic cardiomyopathy. Last evaluated: 2024-02-05. Review status: criteria provided, single submitter. Criteria: ACMG Guidelines, 2015. Collection method: clinical testing. Allele origin: germline. Inheritance: Autosomal dominant inheritance. Observed: 4 variant alleles, 4 heterozygotes.
Comment: This study involves interpretation of variants in research participants for the purpose of population health screening. Participant phenotype was not available at the time of variant classification. Additional details can be found in publication PMID: 35346344, PMCID: PMC8962531

Color Diagnostics, LLC DBA Color Health
Classification: Likely benign for Cardiomyopathy. Last evaluated: 2019-01-20. Review status: criteria provided, single submitter. Criteria: ACMG Guidelines, 2015. Collection method: clinical testing. Allele origin: germline.

Illumina Laboratory Services, Illumina
Classification: Uncertain significance for Hypertrophic cardiomyopathy 6. Last evaluated: 2017-04-27. Review status: criteria provided, single submitter. Criteria: ICSL Variant Classification Criteria 13 December 2019. Collection method: clinical testing. Allele origin: germline.

Illumina Laboratory Services, Illumina
Classification: Uncertain significance for Wolff-Parkinson-White pattern. Last evaluated: 2017-04-27. Review status: criteria provided, single submitter. Criteria: ICSL Variant Classification Criteria 13 December 2019. Collection method: clinical testing. Allele origin: germline.

Ambry Genetics
Classification: Likely benign for Cardiovascular phenotype. Last evaluated: 2016-06-06. Review status: criteria provided, single submitter. Criteria: Ambry Autosomal Dominant and X-Linked criteria (10/2015). Collection method: clinical testing. Allele origin: germline. Observed: 1 variant allele.
Comment: Synonymous alterations with insufficient evidence to classify as benign

GeneDx
Classification: Benign. Last evaluated: 2015-03-03. Review status: criteria provided, single submitter. Criteria: GeneDx Variant Classification Process June 2021. Collection method: clinical testing. Allele origin: germline. Affected: yes.

NM_016203.4(PRKAG2):c.432C>T (p.Pro144=)

Gene: PRKAG2 (protein kinase AMP-activated non-catalytic subunit gamma 2; minus strand). Cytogenetic location: 7q36.1.
Variant type: single nucleotide variant.
Coding change: c.432C>T on transcript NM_016203.4 (MANE Select); coding-DNA position 432, C replaced by T.
Protein change: p.Pro144=; no amino-acid change (proline 144 retained).
Molecular consequence: synonymous variant.
Genome position (GRCh38, 1-based): chr7:151,781,186, G>A on the plus strand (C>T on the coding strand, the complement: PRKAG2 is on the minus strand). VCF-style: chr7-151781186-G-A. GRCh37 (hg19) VCF-style: chr7-151478272-G-A.
Other names: c.300C>T, p.Pro100= (NM_001040633.2).
Identifiers: ClinVar variation 520278 (VCV000520278.59), dbSNP rs764742900, ClinGen allele CA057079.